The following is an entry in ClinVar:

ClinVar aggregate classification (germline): Uncertain significance (1 of 4 stars; one submission).

Conditions:
Hereditary intrinsic factor deficiency (IFD). Also called: Congenital intrinsic factor deficiency; PERNICIOUS ANEMIA, CONGENITAL, DUE TO DEFECT OF INTRINSIC FACTOR. Identifiers: Orphanet 332, MedGen C2062370, MONDO:0009852, OMIM 261000.

Allele frequency attached by ClinVar (database versions not stated): gnomAD 0.00001.

Submission:

Labcorp Genetics (formerly Invitae), Labcorp
Classification: Uncertain significance for Hereditary intrinsic factor deficiency. Last evaluated: 2022-08-28. Review status: criteria provided, single submitter. Criteria: Invitae Variant Classification Sherloc (09022015). Collection method: clinical testing. Allele origin: germline.
Comment: In summary, the available evidence is currently insufficient to determine the role of this variant in disease. Therefore, it has been classified as a Variant of Uncertain Significance. Algorithms developed to predict the effect of missense changes on protein structure and function (SIFT, PolyPhen-2, Align-GVGD) all suggest that this variant is likely to be tolerated. This variant has not been reported in the literature in individuals affected with GIF-related conditions. This variant is present in population databases (rs766004847, gnomAD 0.03%). This sequence change replaces asparagine, which is neutral and polar, with isoleucine, which is neutral and non-polar, at codon 334 of the GIF protein (p.Asn334Ile).

NM_005142.3(CBLIF):c.1001A>T (p.Asn334Ile)

Gene: CBLIF (cobalamin binding intrinsic factor; minus strand). Cytogenetic location: 11q12.1.
Variant type: single nucleotide variant.
Coding change: c.1001A>T on transcript NM_005142.3 (MANE Select); coding-DNA position 1001, A replaced by T.
Protein change: p.Asn334Ile; replaces asparagine 334 with isoleucine.
Molecular consequence: missense variant.
Genome position (GRCh38, 1-based): chr11:59,835,880, T>A on the plus strand (A>T on the coding strand, the complement: CBLIF is on the minus strand). VCF-style: chr11-59835880-T-A. GRCh37 (hg19) VCF-style: chr11-59603353-T-A.
Other names: short protein forms N334I.
Identifiers: ClinVar variation 2151363 (VCV002151363.4), dbSNP rs766004847, ClinGen allele CA6021432.